The following is an entry in ClinVar:

ClinVar aggregate classification (germline): Benign (1 of 4 stars; one submission).

Conditions:
Lynch syndrome 5 (LYNCH5). Also called: Colorectal cancer, hereditary nonpolyposis, type 5; Hereditary non-polyposis colorectal cancer, type 5. Identifiers: Orphanet 144, MedGen C1833477, MONDO:0013710, OMIM 614350. Disease mechanism: loss of function.

Submission:

Myriad Genetics, Inc.
Classification: Benign for Lynch syndrome 5. Last evaluated: 2024-12-16. Review status: criteria provided, single submitter. Criteria: Myriad Autosomal Dominant, Autosomal Recessive and X-Linked Classification Criteria (2023). Collection method: clinical testing. Allele origin: unknown.
Comment: This variant is considered benign. This variant is a silent/synonymous amino acid change and it is not expected to impact splicing.

NM_000179.3(MSH6):c.39G>A (p.Lys13=)

Gene: MSH6 (mutS homolog 6; plus strand). Cytogenetic location: 2p16.3.
Variant type: single nucleotide variant.
Coding change: c.39G>A on transcript NM_000179.3 (MANE Select); coding-DNA position 39, G replaced by A.
Protein change: p.Lys13=; no amino-acid change (lysine 13 retained).
Molecular consequence: synonymous variant. On other transcripts: 5 prime UTR variant (8), non-coding transcript variant (5), intron variant (5).
Genome position (GRCh38, 1-based): chr2:47,783,272, G>A. VCF-style: chr2-47783272-G-A. GRCh37 (hg19) VCF-style: chr2-48010411-G-A.
Other names: c.39G>A, p.Lys13= (NM_001281492.2, NM_001406795.1, NM_001406796.1 and 9 more transcripts); c.-698G>A (NM_001281493.2, NM_001406811.1); c.-290G>A (NM_001406799.1); c.-17G>A (NM_001406804.1); c.-890G>A (NM_001406807.1); c.-545G>A (NM_001406812.1); c.-956G>A (NM_001406814.1); c.-501G>A (NM_001406816.1); and 3 more.
Identifiers: ClinVar variation 3904759 (VCV003904759.1).